The following is an entry in ClinVar:

NM_001017979.3(RAB28):c.430C>T (p.His144Tyr)

Gene: RAB28 (RAB28, member RAS oncogene family; minus strand). Cytogenetic location: 4p15.33.
Variant type: single nucleotide variant.
Coding change: c.430C>T on transcript NM_001017979.3 (MANE Select); coding-DNA position 430, C replaced by T.
Protein change: p.His144Tyr; replaces histidine 144 with tyrosine.
Molecular consequence: missense variant.
Genome position (GRCh38, 1-based): chr4:13,381,556, G>A on the plus strand (C>T on the coding strand, the complement: RAB28 is on the minus strand). VCF-style: chr4-13381556-G-A. GRCh37 (hg19) VCF-style: chr4-13383180-G-A.
Other names: NC_000004.11:g.13383180G>A; NP_001017979.1:p.(His144Tyr); c.430C>T, p.His144Tyr (NM_001159601.2, NM_004249.4); short protein forms H144Y.
Identifiers: ClinVar variation 2577489 (VCV002577489.2), dbSNP rs2474592669, ClinGen allele CA356404949.

ClinVar aggregate classification (germline): Likely pathogenic (1 of 4 stars; one submission).

Conditions:
Cone dystrophy. Identifiers: Orphanet 1871, MedGen C0730290, MONDO:0000455.

Allele frequency attached by ClinVar (database versions not stated): gnomAD exomes below 0.00001.
gnomAD v4.1: 2 of 1,613,262 alleles (0.00012%); highest among the groups gnomAD compares: Non-Finnish European, 0.00017%; no homozygotes.

Submission:

Ophthalmic Genetics Group, Institute of Molecular and Clinical Ophthalmology Basel
Classification: Likely pathogenic for Cone dystrophy. Last evaluated: 2023-07-24. Review status: criteria provided, single submitter. Criteria: ACMG Guidelines, 2015. Collection method: research. Allele origin: germline. Affected: yes. Observed: 4 variant alleles.
Comment: Clinical significance based on ACMG v2.0

This variant was identified homozygously for patients with Cone dystrophy from 4 different families. Therefore it was classified as Likely pathogenic based on ACMG criteria: PP3, PM2, PP1.

Literature cited by the submitters: PubMed 36909829.